The following is an entry in ClinVar:

NM_005188.4(CBL):c.2453A>C (p.Gln818Pro)

Gene: CBL (Cbl proto-oncogene; plus strand). Cytogenetic location: 11q23.3.
Variant type: single nucleotide variant.
Coding change: c.2453A>C on transcript NM_005188.4 (MANE Select); coding-DNA position 2453, A replaced by C.
Protein change: p.Gln818Pro; replaces glutamine 818 with proline.
Molecular consequence: missense variant.
Genome position (GRCh38, 1-based): chr11:119,299,513, A>C. VCF-style: chr11-119299513-A-C. GRCh37 (hg19) VCF-style: chr11-119170223-A-C.
Other names: c.2453A>C (NM_005188.2); short protein forms Q818P.
Identifiers: ClinVar variation 2051218 (VCV002051218.5), dbSNP rs2496975566, ClinGen allele CA382931879.

ClinVar aggregate classification (germline): Uncertain significance. Review status: criteria provided, multiple submitters, no conflicts (2 of 4 stars). 2 submissions from 2 submitters: Uncertain significance (2). Last evaluated 2026-04-12.

Conditions:
RASopathy. Also called: rasopathies; Noonan spectrum disorder. Identifiers: Orphanet 536391, MedGen C5555857, MONDO:0021060.
Cardiovascular phenotype. Identifiers: MedGen CN230736.

Submissions (2):

Ambry Genetics
Classification: Uncertain significance for Cardiovascular phenotype. Last evaluated: 2026-04-12. Review status: criteria provided, single submitter. Criteria: Ambry Variant Classification Scheme 2023. Collection method: clinical testing. Allele origin: germline.
Comment: The p.Q818P variant (also known as c.2453A>C), located in coding exon 16 of the CBL gene, results from an A to C substitution at nucleotide position 2453. The glutamine at codon 818 is replaced by proline, an amino acid with similar properties. This amino acid position is conserved. In addition, this alteration is predicted to be tolerated by in silico analysis. Based on the available evidence, the clinical significance of this variant remains unclear.

Labcorp Genetics (formerly Invitae), Labcorp
Classification: Uncertain significance for RASopathy. Last evaluated: 2021-12-21. Review status: criteria provided, single submitter. Criteria: Invitae Variant Classification Sherloc (09022015). Collection method: clinical testing. Allele origin: germline.
Comment: In summary, the available evidence is currently insufficient to determine the role of this variant in disease. Therefore, it has been classified as a Variant of Uncertain Significance. Advanced modeling of protein sequence and biophysical properties (such as structural, functional, and spatial information, amino acid conservation, physicochemical variation, residue mobility, and thermodynamic stability) performed at Invitae indicates that this missense variant is not expected to disrupt CBL protein function. This variant has not been reported in the literature in individuals affected with CBL-related conditions. This variant is not present in population databases (gnomAD no frequency). This sequence change replaces glutamine, which is neutral and polar, with proline, which is neutral and non-polar, at codon 818 of the CBL protein (p.Gln818Pro).